The following is an entry in ClinVar:

NM_001360016.2(G6PD):c.835A>G (p.Thr279Ala)

Gene: G6PD (glucose-6-phosphate dehydrogenase; minus strand). Cytogenetic location: Xq28.
Variant type: single nucleotide variant.
Coding change: c.835A>G on transcript NM_001360016.2 (MANE Select); coding-DNA position 835, A replaced by G.
Protein change: p.Thr279Ala; replaces threonine 279 with alanine.
Molecular consequence: missense variant.
Genome position (GRCh38, 1-based): chrX:154,533,605, T>C on the plus strand (A>G on the coding strand, the complement: G6PD is on the minus strand). VCF-style: chrX-154533605-T-C. GRCh37 (hg19) VCF-style: chrX-153761820-T-C.
Other names: G6PD Haikou; c.925A>G, p.Thr309Ala (NM_000402.4); c.835A>G, p.Thr279Ala (NM_001042351.3); short protein forms T279A, T309A.
Identifiers: ClinVar variation 1722590 (VCV001722590.5), dbSNP rs2148329890, ClinGen allele CA415235162.
Genomic context (GRCh38, chrX:154,533,605, plus strand): 5'-ATGCTCCTGGGGACTGGGGTGCACCCCCTACCTTCTCATCACGGACGTCATCTGAGTTGG[T>C]GGAGGCGGGCTTCTCCATGGCCACCAGACACAGCATCTGCAGTAGGTGGTTCTGCATCAC-3'
Protein context (NP_001346945.1, residues 269-289): CLVAMEKPAS[Thr279Ala]NSDDVRDEKV

ClinVar aggregate classification (germline): Likely pathogenic. Review status: criteria provided, multiple submitters, no conflicts (2 of 4 stars). 2 submissions from 2 submitters: Likely pathogenic (2). Last evaluated 2023-09-09.

Conditions:
Anemia, nonspherocytic hemolytic, due to G6PD deficiency (CNSHA1). Also called: Hemolytic anemia due to G6PD deficiency; Class I glucose-6-phosphate dehydrogenase deficiency; Favism, susceptibility to; ANEMIA, CONGENITAL, NONSPHEROCYTIC HEMOLYTIC, 1. Identifiers: Orphanet 466026, MedGen C2720289, MONDO:0010480, OMIM 300908.

Submissions (2):

Labcorp Genetics (formerly Invitae), Labcorp
Classification: Likely pathogenic for Anemia, nonspherocytic hemolytic, due to G6PD deficiency. Last evaluated: 2023-09-09. Review status: criteria provided, single submitter. Criteria: Invitae Variant Classification Sherloc (09022015). Collection method: clinical testing. Allele origin: germline.
Comment: This sequence change replaces threonine, which is neutral and polar, with alanine, which is neutral and non-polar, at codon 279 of the G6PD protein (p.Thr279Ala). This variant is not present in population databases (gnomAD no frequency). In summary, the currently available evidence indicates that the variant is pathogenic, but additional data are needed to prove that conclusively. Therefore, this variant has been classified as Likely Pathogenic. This variant disrupts the p.Thr279 amino acid residue in G6PD. Other variant(s) that disrupt this residue have been determined to be pathogenic (PMID: 1459579, 20203002, 27495838). This suggests that this residue is clinically significant, and that variants that disrupt this residue are likely to be disease-causing. Experimental studies have shown that this missense change affects G6PD function (PMID: 29138396). Advanced modeling of protein sequence and biophysical properties (such as structural, functional, and spatial information, amino acid conservation, physicochemical variation, residue mobility, and thermodynamic stability) performed at Invitae indicates that this missense variant is expected to disrupt G6PD protein function. ClinVar contains an entry for this variant (Variation ID: 1722590). This missense change has been observed in individual(s) with glucose-6-phosphate dehydrogenase deficiency (PMID: 11295127, 27495838).

Dunham Lab, University of Washington
Classification: Likely pathogenic for Anemia, nonspherocytic hemolytic, due to G6PD deficiency. Last evaluated: 2022-08-12. Review status: criteria provided, single submitter. Criteria: Bayesian ACMG Guidelines, 2018. Collection method: curation. Allele origin: unknown. Affected: yes.
Comment: Decreased activity in red blood cells (10%) (PS3). Not found in gnomAD (PM2). Post_P 0.949 (odds of pathogenicity 168.4, Prior_P 0.1).

Literature cited by the submitters: PubMed 1459579 (cited by Labcorp Genetics (formerly Invitae), Labcorp); PubMed 20203002 (cited by Labcorp Genetics (formerly Invitae), Labcorp); PubMed 27495838 (cited by Labcorp Genetics (formerly Invitae), Labcorp); PubMed 29138396 (cited by Labcorp Genetics (formerly Invitae), Labcorp); PubMed 11295127 (cited by Labcorp Genetics (formerly Invitae), Labcorp and Dunham Lab, University of Washington).